The following is an entry in ClinVar:

ClinVar aggregate classification (germline): Conflicting classifications of pathogenicity. Review status: criteria provided, conflicting classifications (1 of 4 stars). 2 submissions from 2 submitters: Uncertain significance (1); Likely benign (1). Last evaluated 2023-03-23.

Conditions:
Hereditary cancer-predisposing syndrome. Also called: Hereditary neoplastic syndrome; Neoplastic Syndromes, Hereditary; Tumor predisposition; Hereditary Cancer Syndrome. Identifiers: Orphanet 140162, MedGen C0027672, MeSH D009386, MONDO:0015356.
Hereditary breast ovarian cancer syndrome. Also called: Hereditary breast and ovarian cancer syndrome; Hereditary breast and ovarian cancer syndrome (HBOC); Breast and ovarian cancer; Hereditary breast and ovarian cancer; BRCA1- and BRCA2-Associated Hereditary Breast and Ovarian Cancer; Hereditary breast and/or ovarian cancer syndrome. Identifiers: Orphanet 145, MedGen C0677776, MeSH D061325, MONDO:0003582. Disease mechanism: loss of function.

Submissions (2):

University of Washington Department of Laboratory Medicine, University of Washington
Classification: Likely benign for Hereditary cancer-predisposing syndrome. Last evaluated: 2023-03-23. Review status: criteria provided, single submitter. Criteria: Dines et al. (Genet Med. 2020). Collection method: curation. Allele origin: germline.
Comment: Missense variant in a coldspot region where missense variants are very unlikely to be pathogenic (PMID:31911673).

BRCA1 coldspot (exon 11 using historical exon numbering). Reclassification based on statistical prior probability

Labcorp Genetics (formerly Invitae), Labcorp
Classification: Uncertain significance for Hereditary breast ovarian cancer syndrome. Last evaluated: 2021-12-22. Review status: criteria provided, single submitter. Criteria: Invitae Variant Classification Sherloc (09022015). Collection method: clinical testing. Allele origin: germline.
Comment: This sequence change replaces cysteine, which is neutral and slightly polar, with glycine, which is neutral and non-polar, at codon 805 of the BRCA1 protein (p.Cys805Gly). In summary, the available evidence is currently insufficient to determine the role of this variant in disease. Therefore, it has been classified as a Variant of Uncertain Significance. Advanced modeling of protein sequence and biophysical properties (such as structural, functional, and spatial information, amino acid conservation, physicochemical variation, residue mobility, and thermodynamic stability) performed at Invitae indicates that this missense variant is not expected to disrupt BRCA1 protein function. This variant has not been reported in the literature in individuals affected with BRCA1-related conditions. This variant is not present in population databases (gnomAD no frequency).

NM_007294.4(BRCA1):c.2413T>G (p.Cys805Gly)

Gene: BRCA1 (BRCA1 DNA repair associated; minus strand). Cytogenetic location: 17q21.31.
Variant type: single nucleotide variant.
Coding change: c.2413T>G on transcript NM_007294.4 (MANE Select); coding-DNA position 2413, T replaced by G.
Protein change: p.Cys805Gly; replaces cysteine 805 with glycine.
Molecular consequence: missense variant. On other transcripts: intron variant (137).
Genome position (GRCh38, 1-based): chr17:43,093,118, A>C on the plus strand (T>G on the coding strand, the complement: BRCA1 is on the minus strand). VCF-style: chr17-43093118-A-C. GRCh37 (hg19) VCF-style: chr17-41245135-A-C.
Other names: c.2287T>G, p.Cys763Gly (NM_001407688.1, NM_001407689.1, NM_001407690.1 and 11 more transcripts); c.2272T>G, p.Cys758Gly (NM_001407692.1, NM_001407694.1, NM_001407695.1 and 29 more transcripts); c.283+1626T>G (NM_001408512.1); c.406+1626T>G (NM_001408510.1); c.643+1626T>G (NM_001408470.1, NM_001408464.1, NM_001408468.1 and 3 more transcripts); c.664+1626T>G (NM_001408436.1, NM_001408444.1, NM_001408438.1 and 12 more transcripts); c.787+1626T>G (NM_001407980.1, NM_001407993.1, NM_001407976.1 and 17 more transcripts); c.2032T>G, p.Cys678Gly (NM_001407959.1, NM_001407960.1, NM_001407963.1); and 41 more; short protein forms C693G, C738G, C764G, C805G, C509G, C734G, C735G, C778G.
Identifiers: ClinVar variation 2053712 (VCV002053712.6), dbSNP rs397508966, ClinGen allele CA10597182.
Genomic context (GRCh38, chr17:43,093,118, plus strand): 5'-CATTTCTATTATCTTTGGAACAACCATGAATTAGTCCCTTGGGGTTTTCAAATGCTGCAC[A>C]CTGACTCACACATTTATTTGGTTCTGTTTTTGCCTTCCCTAGAGTGCTAACTTCCAGTAA-3'
Protein context (NP_009225.1, residues 795-815): KTEPNKCVSQ[Cys805Gly]AAFENPKGLI